The following is an entry in ClinVar:

ClinVar aggregate classification (germline): Likely benign. Review status: criteria provided, single submitter (1 of 4 stars). 2 submissions from 2 submitters: Likely benign (1). 1 of the submissions does not count toward it. Last evaluated 2023-07-07.

Conditions:
NNT-related disorder. Also called: NNT-related condition.

Allele frequency attached by ClinVar (database versions not stated): ExAC 0.00005; gnomAD 0.00007; gnomAD exomes 0.00008 and 0.00018; TOPMed 0.00009; ESP Exome Variant Server 0.00015.
gnomAD v4.1: 278 of 1,611,046 alleles (0.017%); highest among the groups gnomAD compares: Non-Finnish European, 0.022%; no homozygotes.

Submissions (2):

Labcorp Genetics (formerly Invitae), Labcorp
Classification: Likely benign. Last evaluated: 2023-07-07. Review status: criteria provided, single submitter. Criteria: Invitae Variant Classification Sherloc (09022015). Collection method: clinical testing. Allele origin: germline.

PreventionGenetics, part of Exact Sciences
Classification: Likely benign for NNT-related condition. Last evaluated: 2020-08-25. Review status: no assertion criteria provided. Collection method: clinical testing. Allele origin: germline. Not counted in ClinVar's aggregate classification.
Comment: This variant is classified as likely benign based on ACMG/AMP sequence variant interpretation guidelines (Richards et al. 2015 PMID: 25741868, with internal and published modifications).

NM_182977.3(NNT):c.1863+9C>T

Gene: NNT (nicotinamide nucleotide transhydrogenase; plus strand). Cytogenetic location: 5p12.
Variant type: single nucleotide variant.
Coding change: c.1863+9C>T on transcript NM_182977.3 (MANE Select); 9 bases into the intron after coding-DNA position 1863, C replaced by T.
Molecular consequence: intron variant.
Genome position (GRCh38, 1-based): chr5:43,651,893, C>T. VCF-style: chr5-43651893-C-T. GRCh37 (hg19) VCF-style: chr5-43651995-C-T.
Other names: c.1863+9C>T (NM_012343.4); c.1470+9C>T (NM_001331026.2).
Identifiers: ClinVar variation 705694 (VCV000705694.9), dbSNP rs367613933, ClinGen allele CA3258089.
Genomic context (GRCh38, chr5:43,651,893, plus strand): 5'-CTTTGTTGGTGGATATTTAGCTGCCCTCTACAGTGGTTATAACATTGAACAGGTAAGATG[C>T]TCTTTGTAAGTTTTTATATTTACCACAATATTTTCTTCTCTATTAGATTTAACATTGTTA-3'